The following is an entry in ClinVar:

ClinVar aggregate classification (germline): Uncertain significance. Review status: criteria provided, multiple submitters, no conflicts (2 of 4 stars). 2 submissions from 2 submitters: Uncertain significance (2). Last evaluated 2025-06-09.

Conditions:
Inborn genetic diseases. Identifiers: MedGen C0950123, MeSH D030342.

Allele frequency attached by ClinVar (database versions not stated): ExAC 0.00001; gnomAD exomes 0.00001; ESP Exome Variant Server 0.00008; TOPMed 0.00010; gnomAD 0.00012; 1000 Genomes Project 30x 0.00016; 1000 Genomes Project 0.00020.
gnomAD v4.1: 25 of 1,613,744 alleles (0.0015%); highest among the groups gnomAD compares: African/African-American, 0.033%; no homozygotes.

Submissions (2):

Labcorp Genetics (formerly Invitae), Labcorp
Classification: Uncertain significance. Last evaluated: 2025-06-09. Review status: criteria provided, single submitter. Criteria: Invitae Variant Classification Sherloc (09022015). Collection method: clinical testing. Allele origin: germline.
Comment: This sequence change replaces alanine, which is neutral and non-polar, with proline, which is neutral and non-polar, at codon 1175 of the OBSL1 protein (p.Ala1175Pro). This variant is present in population databases (rs369797519, gnomAD 0.03%). This variant has not been reported in the literature in individuals affected with OBSL1-related conditions. ClinVar contains an entry for this variant (Variation ID: 1043004). An algorithm developed to predict the effect of missense changes on protein structure and function (PolyPhen-2) suggests that this variant is likely to be tolerated. In summary, the available evidence is currently insufficient to determine the role of this variant in disease. Therefore, it has been classified as a Variant of Uncertain Significance.

Ambry Genetics
Classification: Uncertain significance for Inborn genetic diseases. Last evaluated: 2024-04-19. Review status: criteria provided, single submitter. Criteria: Ambry Variant Classification Scheme 2023. Collection method: clinical testing. Allele origin: germline.

NM_015311.3(OBSL1):c.3523G>C (p.Ala1175Pro)

Gene: OBSL1 (obscurin like cytoskeletal adaptor 1; minus strand). Cytogenetic location: 2q35.
Variant type: single nucleotide variant.
Coding change: c.3523G>C on transcript NM_015311.3 (MANE Select); coding-DNA position 3523, G replaced by C.
Protein change: p.Ala1175Pro; replaces alanine 1175 with proline.
Molecular consequence: missense variant.
Genome position (GRCh38, 1-based): chr2:219,558,090, C>G on the plus strand (G>C on the coding strand, the complement: OBSL1 is on the minus strand). VCF-style: chr2-219558090-C-G. GRCh37 (hg19) VCF-style: chr2-220422812-C-G.
Other names: c.3523G>C, p.Ala1175Pro (NM_001173431.2); c.3523G>C (NM_015311.2); short protein forms A1175P.
Identifiers: ClinVar variation 1043004 (VCV001043004.8), dbSNP rs369797519, ClinGen allele CA2130829.